The following is an entry in ClinVar:

ClinVar aggregate classification (germline): Conflicting classifications of pathogenicity. Review status: criteria provided, conflicting classifications (1 of 4 stars). 2 submissions from 2 submitters: Uncertain significance (1); Likely benign (1). Last evaluated 2025-11-08.

Conditions:
Inborn genetic diseases. Identifiers: MedGen C0950123, MeSH D030342.

Allele frequency attached by ClinVar (database versions not stated): TOPMed below 0.00001; 1000 Genomes Project 0.00060; gnomAD 0.00003; ExAC 0.00006; 1000 Genomes Project 30x 0.00047.
gnomAD v4.1: 38 of 1,614,210 alleles (0.0024%); highest among the groups gnomAD compares: South Asian, 0.04%; 1 homozygote.

Submissions (2):

Labcorp Genetics (formerly Invitae), Labcorp
Classification: Uncertain significance. Last evaluated: 2025-11-08. Review status: criteria provided, single submitter. Criteria: Invitae Variant Classification Sherloc (09022015). Collection method: clinical testing. Allele origin: germline.
Comment: This sequence change replaces threonine, which is neutral and polar, with arginine, which is basic and polar, at codon 1731 of the SRCAP protein (p.Thr1731Arg). This variant is present in population databases (rs565711967, gnomAD 0.04%). This variant has not been reported in the literature in individuals affected with SRCAP-related conditions. ClinVar contains an entry for this variant (Variation ID: 2972354). Invitae Evidence Modeling of protein sequence and biophysical properties (such as structural, functional, and spatial information, amino acid conservation, physicochemical variation, residue mobility, and thermodynamic stability) indicates that this missense variant is not expected to disrupt SRCAP protein function with a negative predictive value of 80%. In summary, the available evidence is currently insufficient to determine the role of this variant in disease. Therefore, it has been classified as a Variant of Uncertain Significance.

Ambry Genetics
Classification: Likely benign for Inborn genetic diseases. Last evaluated: 2025-11-06. Review status: criteria provided, single submitter. Criteria: Ambry Variant Classification Scheme 2023. Collection method: clinical testing. Allele origin: germline.

NM_006662.3(SRCAP):c.5192C>G (p.Thr1731Arg)

Gene: SRCAP (Snf2 related CREBBP activator protein; plus strand). Cytogenetic location: 16p11.2.
Variant type: single nucleotide variant.
Coding change: c.5192C>G on transcript NM_006662.3 (MANE Select); coding-DNA position 5192, C replaced by G.
Protein change: p.Thr1731Arg; replaces threonine 1731 with arginine.
Molecular consequence: missense variant.
Genome position (GRCh38, 1-based): chr16:30,724,616, C>G. VCF-style: chr16-30724616-C-G. GRCh37 (hg19) VCF-style: chr16-30735937-C-G.
Other names: c.5192C>G (NM_006662.2); short protein forms T1731R.
Identifiers: ClinVar variation 2972354 (VCV002972354.4), dbSNP rs565711967, ClinGen allele CA8011914.